The following is an entry in ClinVar:

NM_000213.5(ITGB4):c.3006C>A (p.Ser1002Arg)

Gene: ITGB4 (integrin subunit beta 4; plus strand). Cytogenetic location: 17q25.1.
Variant type: single nucleotide variant.
Coding change: c.3006C>A on transcript NM_000213.5 (MANE Select); coding-DNA position 3006, C replaced by A.
Protein change: p.Ser1002Arg; replaces serine 1002 with arginine.
Molecular consequence: missense variant.
Genome position (GRCh38, 1-based): chr17:75,743,756, C>A. VCF-style: chr17-75743756-C-A. GRCh37 (hg19) VCF-style: chr17-73739837-C-A.
Other names: c.3006C>A, p.Ser1002Arg (NM_001005619.2, NM_001005731.3, NM_001321123.2); short protein forms S1002R.
Identifiers: ClinVar variation 1961978 (VCV001961978.6), dbSNP rs765799418, ClinGen allele CA401070822.

ClinVar aggregate classification (germline): Uncertain significance. Review status: criteria provided, multiple submitters, no conflicts (2 of 4 stars). 2 submissions from 2 submitters: Uncertain significance (2). Last evaluated 2024-04-15.

Conditions:
Junctional epidermolysis bullosa with pyloric atresia. Also called: APLASIA CUTIS CONGENITA WITH GASTROINTESTINAL ATRESIA; CARMI SYNDROME; Epidermolysis bullosa, junctional, with pyloric atresia and aplasia cutis congenita; Epidermolysis bullosa junctionalis with pyloric atresia; EB-PA-ACC; EPIDERMOLYSIS BULLOSA, JUNCTIONAL 5B, WITH PYLORIC ATRESIA. Identifiers: Orphanet 79403, MedGen C5676875, MONDO:0009183, OMIM 226730.
Epidermolysis bullosa, junctional 5A, intermediate. Also called: EPIDERMOLYSIS BULLOSA, JUNCTIONAL 5A, GENERALIZED INTERMEDIATE; EPIDERMOLYSIS BULLOSA, JUNCTIONAL 5A, NON-HERLITZ TYPE. Identifiers: MedGen C5676956, MONDO:0030768, OMIM 619816.

Allele frequency attached by ClinVar (database versions not stated): gnomAD 0.00001.
gnomAD v4.1: 1 of 1,613,426 alleles (0.000062%); highest among the groups gnomAD compares: East Asian, 0.0022%; no homozygotes.

Submissions (2):

Fulgent Genetics
Classification: Uncertain significance for Junctional epidermolysis bullosa with pyloric atresia; Epidermolysis bullosa, junctional 5A, intermediate. Last evaluated: 2024-04-15. Review status: criteria provided, single submitter. Criteria: ACMG Guidelines, 2015. Collection method: clinical testing. Allele origin: germline.

Labcorp Genetics (formerly Invitae), Labcorp
Classification: Uncertain significance. Last evaluated: 2022-07-23. Review status: criteria provided, single submitter. Criteria: Invitae Variant Classification Sherloc (09022015). Collection method: clinical testing. Allele origin: germline.
Comment: This sequence change replaces serine, which is neutral and polar, with arginine, which is basic and polar, at codon 1002 of the ITGB4 protein (p.Ser1002Arg). This variant is present in population databases (no rsID available, gnomAD 0.06%). This variant has not been reported in the literature in individuals affected with ITGB4-related conditions. Algorithms developed to predict the effect of missense changes on protein structure and function are either unavailable or do not agree on the potential impact of this missense change (SIFT: "Not Available"; PolyPhen-2: "Benign"; Align-GVGD: "Not Available"). In summary, the available evidence is currently insufficient to determine the role of this variant in disease. Therefore, it has been classified as a Variant of Uncertain Significance.